The following is an entry in ClinVar:

ClinVar aggregate classification (germline): Conflicting classifications of pathogenicity. Review status: criteria provided, conflicting classifications (1 of 4 stars). 6 submissions from 6 submitters: Uncertain significance (3); Benign (1); Likely benign (1). 1 of the submissions does not count toward it. Last evaluated 2026-04-20.

Conditions:
Ehlers-Danlos syndrome, classic type, 1 (EDSCL1). Also called: EHLERS-DANLOS SYNDROME, GRAVIS TYPE; EHLERS-DANLOS SYNDROME, SEVERE CLASSIC TYPE; Ehlers-Danlos syndrome, type 1; Ehlers-Danlos Syndrome, Classic Type, COL5A1-Related; EDS I. Identifiers: MedGen C0268335, MONDO:0019567, OMIM 130000.
Familial thoracic aortic aneurysm and aortic dissection (TAAD). Also called: Thoracic aortic aneurysms and dissections. Identifiers: Orphanet 91387, MedGen C4707243, MONDO:0019625.
Thrombocytopenia. Identifiers: MedGen C0040034, MeSH D013921, MONDO:0002049, HP:0001873.
Abnormal bleeding. Also called: Bleeding diathesis. Identifiers: MedGen C1458140, HP:0001892.

Allele frequency attached by ClinVar (database versions not stated): ExAC 0.00001; gnomAD 0.00003 and 0.00004; gnomAD exomes 0.00003 and 0.00011; TOPMed 0.00004; ESP Exome Variant Server 0.00008.
gnomAD v4.1: 156 of 1,613,746 alleles (0.0097%); highest among the groups gnomAD compares: Non-Finnish European, 0.013%; no homozygotes.

Submissions (6):

Ambry Genetics
Classification: Uncertain significance for Familial thoracic aortic aneurysm and aortic dissection. Last evaluated: 2026-04-20. Review status: criteria provided, single submitter. Criteria: Ambry Variant Classification Scheme 2023. Collection method: clinical testing. Allele origin: germline.

Labcorp Genetics (formerly Invitae), Labcorp
Classification: Benign for Ehlers-Danlos syndrome, classic type, 1. Last evaluated: 2025-12-29. Review status: criteria provided, single submitter. Criteria: Invitae Variant Classification Sherloc (09022015). Collection method: clinical testing. Allele origin: germline.

Blueprint Genetics
Classification: Likely benign. Last evaluated: 2023-11-27. Review status: criteria provided, single submitter. Criteria: ACMG Guidelines, 2015. Collection method: clinical testing. Allele origin: germline.

GeneDx
Classification: Uncertain significance. Last evaluated: 2022-08-30. Review status: criteria provided, single submitter. Criteria: GeneDx Variant Classification Process June 2021. Collection method: clinical testing. Allele origin: germline. Affected: yes.
Comment: Has not been previously published as pathogenic or benign in association with classic EDS to our knowledge; In silico analysis supports that this missense variant has a deleterious effect on protein structure/function; Not located in the triple helical region, where the majority of pathogenic missense variants occur (Symoens et al., 2012; HGMD); This variant is associated with the following publications: (PMID: 32935436, 29924831)

CeGaT Center for Human Genetics Tuebingen
Classification: Uncertain significance. Last evaluated: 2016-08-01. Review status: criteria provided, single submitter. Criteria: CeGaT Center For Human Genetics Tuebingen Variant Classification Criteria Version 2. Collection method: clinical testing. Allele origin: germline. Affected: yes. Observed: 1 variant allele.

Birmingham Platelet Group; University of Birmingham
Classification: Uncertain significance for Thrombocytopenia; Abnormal bleeding. Last evaluated: 2020-05-01. Review status: no assertion criteria provided. Collection method: research. Allele origin: germline. Affected: yes. Not counted in ClinVar's aggregate classification.

NM_000093.5(COL5A1):c.145C>T (p.His49Tyr)

Gene: COL5A1 (collagen type V alpha 1 chain; plus strand). Cytogenetic location: 9q34.3.
Variant type: single nucleotide variant.
Coding change: c.145C>T on transcript NM_000093.5 (MANE Select); coding-DNA position 145, C replaced by T.
Protein change: p.His49Tyr; replaces histidine 49 with tyrosine.
Molecular consequence: missense variant.
Genome position (GRCh38, 1-based): chr9:134,690,947, C>T. VCF-style: chr9-134690947-C-T. GRCh37 (hg19) VCF-style: chr9-137582793-C-T.
Other names: p.H49Y:CAC>TAC; c.145C>T, p.His49Tyr (NM_001278074.1); short protein forms H49Y.
Identifiers: ClinVar variation 213003 (VCV000213003.57), dbSNP rs372168541, ClinGen allele CA322723.